The following is an entry in ClinVar:

ClinVar aggregate classification (germline): Likely pathogenic. Review status: criteria provided, multiple submitters, no conflicts (2 of 4 stars). 2 submissions from 2 submitters: Likely pathogenic (2). Last evaluated 2026-03-07.

Conditions:
Dilated cardiomyopathy 1G (CMD1G). Identifiers: Orphanet 154, MedGen C1858763, MONDO:0011400, OMIM 604145.
Autosomal recessive limb-girdle muscular dystrophy type 2J (LGMDR10). Also called: Limb-girdle muscular dystrophy, type 2J; MUSCULAR DYSTROPHY, LIMB-GIRDLE, AUTOSOMAL RECESSIVE 10. Identifiers: Orphanet 140922, MedGen C1837342, MONDO:0012127, OMIM 608807.

gnomAD v4.1: 1 of 1,613,772 alleles (0.000062%); highest among the groups gnomAD compares: Non-Finnish European, 0.000085%; no homozygotes.

Submissions (2):

GeneDx
Classification: Likely pathogenic. Last evaluated: 2026-03-07. Review status: criteria provided, single submitter. Criteria: GeneDx Variant Classification Process June 2021. Collection method: clinical testing. Allele origin: germline.
Comment: Nonsense variant predicted to result in protein truncation or nonsense mediated decay in a gene for which loss of function is a known mechanism of disease; Located in the A-band, a region of TTN for which truncating variants are significantly associated with autosomal dominant cardiomyopathy and also with autosomal recessive skeletal myopathies (PMID: 22335739, 32778822); Not observed at significant frequency in large population cohorts (gnomAD); Reported as a secondary finding among individuals undergoing exome or genome sequencing (PMID: 39096151); This variant is associated with the following publications: (PMID: 22335739, 32778822, 39096151)

Labcorp Genetics (formerly Invitae), Labcorp
Classification: Likely pathogenic for Dilated cardiomyopathy 1G; Autosomal recessive limb-girdle muscular dystrophy type 2J. Last evaluated: 2025-11-18. Review status: criteria provided, single submitter. Criteria: Invitae Variant Classification Sherloc (09022015). Collection method: clinical testing. Allele origin: germline.
Comment: This sequence change creates a premature translational stop signal (p.Trp27516*) in the TTN gene. While this is not anticipated to result in nonsense mediated decay, it is expected to create a truncated TTN protein. This variant is not present in population databases (gnomAD no frequency). This variant has not been reported in the literature in individuals affected with TTN-related conditions. ClinVar contains an entry for this variant (Variation ID: 1469069). This variant is located in the A band of TTN (PMID: 25589632). Truncating variants in this region are significantly overrepresented in patients affected with dilated cardiomyopathy (PMID: 25589632). Truncating variants in this region have also been reported in individuals affected with autosomal recessive centronuclear myopathy (PMID: 23975875). In summary, the currently available evidence indicates that the variant is pathogenic, but additional data are needed to prove that conclusively. Therefore, this variant has been classified as Likely Pathogenic.

Literature cited by the submitters: PubMed 25589632 (cited by Labcorp Genetics (formerly Invitae), Labcorp); PubMed 23975875 (cited by Labcorp Genetics (formerly Invitae), Labcorp).

NM_001267550.2(TTN):c.82547G>A (p.Trp27516Ter)

Genes: TTN-AS1 (TTN antisense RNA 1; plus strand), TTN (titin; minus strand). Cytogenetic location: 2q31.2.
Variant type: single nucleotide variant.
Coding change: c.82547G>A on transcript NM_001267550.2 (MANE Select); coding-DNA position 82547, G replaced by A.
Protein change: p.Trp27516Ter; replaces tryptophan 27516 with a stop codon.
Molecular consequence: nonsense.
Genome position (GRCh38, 1-based): chr2:178,563,585, C>T on the plus strand (G>A on the coding strand, the complement: TTN is on the minus strand). VCF-style: chr2-178563585-C-T. GRCh37 (hg19) VCF-style: chr2-179428312-C-T.
Other names: c.82547G>A (NM_001267550.1); c.77624G>A, p.Trp25875Ter (NM_001256850.1); c.55352G>A, p.Trp18451Ter (NM_003319.4); c.74843G>A, p.Trp24948Ter (NM_133378.4); c.55727G>A, p.Trp18576Ter (NM_133432.3); c.55928G>A, p.Trp18643Ter (NM_133437.4); short protein forms W18576*, W27516*, W24948*, W25875*, W18451*, W18643*.
Identifiers: ClinVar variation 1469069 (VCV001469069.7), dbSNP rs2154161494, ClinGen allele CA349572969.